The following is an entry in ClinVar:

ClinVar aggregate classification (germline): Pathogenic (1 of 4 stars; one submission).

Conditions:
Ataxia-telangiectasia syndrome (AT). Also called: Ataxia-telangiectasia, complementation group E; Ataxia telangiectasia (A-T); LOUIS-BAR SYNDROME; Ataxia-telangiectasia, complementation group D; AT, COMPLEMENTATION GROUP C; Ataxia-telangiectasia. Identifiers: Orphanet 100, MedGen C0004135, MONDO:0008840, OMIM 208900.

Submission:

Labcorp Genetics (formerly Invitae), Labcorp
Classification: Pathogenic for Ataxia-telangiectasia syndrome. Last evaluated: 2019-11-26. Review status: criteria provided, single submitter. Criteria: Invitae Variant Classification Sherloc (09022015). Collection method: clinical testing. Allele origin: germline.
Comment: For these reasons, this variant has been classified as Pathogenic. Loss-of-function variants in ATM are known to be pathogenic (PMID: 23807571, 25614872). This variant has not been reported in the literature in individuals with ATM-related conditions. This variant is a gross deletion of the genomic region encompassing exons 2-7 of the ATM gene, which includes the initiator codon. The 5' end of this event is unknown as it extends beyond the assayed region for this gene and therefore may encompass additional genes. The 3' boundary is likely confined to intron 7 of the ATM gene. This is expected to result in an absent or disrupted protein product.

Literature cited by the submitters: PubMed 23807571; PubMed 25614872.

NC_000011.10:g.(?_108227625)_(108245036_?)del

Gene: ATM (ATM serine/threonine kinase; plus strand). Cytogenetic location: 11q22.3.
Variant type: Deletion.
Identifiers: ClinVar variation 832312 (VCV000832312.3).